The following is an entry in ClinVar:

ClinVar aggregate classification (germline): Uncertain significance (1 of 4 stars; one submission).

Allele frequency attached by ClinVar (database versions not stated): TOPMed below 0.00001.

Submission:

Labcorp Genetics (formerly Invitae), Labcorp
Classification: Uncertain significance. Last evaluated: 2025-05-05. Review status: criteria provided, single submitter. Criteria: Invitae Variant Classification Sherloc (09022015). Collection method: clinical testing. Allele origin: germline.
Comment: This sequence change replaces asparagine, which is neutral and polar, with lysine, which is basic and polar, at codon 337 of the EPS8L2 protein (p.Asn337Lys). This variant is present in population databases (no rsID available, gnomAD 0.003%). This variant has not been reported in the literature in individuals affected with EPS8L2-related conditions. ClinVar contains an entry for this variant (Variation ID: 1977255). An algorithm developed to predict the effect of missense changes on protein structure and function (PolyPhen-2) suggests that this variant is likely to be disruptive. In summary, the available evidence is currently insufficient to determine the role of this variant in disease. Therefore, it has been classified as a Variant of Uncertain Significance.

NM_022772.4(EPS8L2):c.1011C>G (p.Asn337Lys)

Gene: EPS8L2 (EPS8 signaling adaptor L2; plus strand). Cytogenetic location: 11p15.5.
Variant type: single nucleotide variant.
Coding change: c.1011C>G on transcript NM_022772.4 (MANE Select); coding-DNA position 1011, C replaced by G.
Protein change: p.Asn337Lys; replaces asparagine 337 with lysine.
Molecular consequence: missense variant.
Genome position (GRCh38, 1-based): chr11:722,117, C>G. VCF-style: chr11-722117-C-G. GRCh37 (hg19) VCF-style: chr11-722117-C-G.
Other names: short protein forms N337K.
Identifiers: ClinVar variation 1977255 (VCV001977255.4), dbSNP rs770664319, ClinGen allele CA378970633.
Genomic context (GRCh38, chr11:722,117, plus strand): 5'-GCCCCGGCACCTGCTCACTTGTTCCCACCCCCAGGCAAAGCTGCAGAAGCACATCCAGAA[C>G]CCCAGCGCCGCGGAGCTCGTGCACTTCCTCTTCGGGCCTCTGGACCTGGTGCCTGGGGCC-3'
Protein context (NP_073609.2, residues 327-347): LLAKLQKHIQ[Asn337Lys]PSAAELVHFL